The following is an entry in ClinVar:

NM_001040716.2(PC):c.3463G>A (p.Gly1155Ser)

Gene: PC (pyruvate carboxylase; minus strand). Cytogenetic location: 11q13.2.
Variant type: single nucleotide variant.
Coding change: c.3463G>A on transcript NM_001040716.2 (MANE Select); coding-DNA position 3463, G replaced by A.
Protein change: p.Gly1155Ser; replaces glycine 1155 with serine.
Molecular consequence: missense variant.
Genome position (GRCh38, 1-based): chr11:66,848,973, C>T on the plus strand (G>A on the coding strand, the complement: PC is on the minus strand). VCF-style: chr11-66848973-C-T. GRCh37 (hg19) VCF-style: chr11-66616444-C-T.
Other names: c.3463G>A, p.Gly1155Ser (NM_000920.4, NM_022172.3); short protein forms G1155S.
Identifiers: ClinVar variation 2399572 (VCV002399572.3), dbSNP rs1166666834, ClinGen allele CA381489235.

ClinVar aggregate classification (germline): Uncertain significance. Review status: criteria provided, multiple submitters, no conflicts (2 of 4 stars). 2 submissions from 2 submitters: Uncertain significance (2). Last evaluated 2024-07-23.

Conditions:
Inborn genetic diseases. Identifiers: MedGen C0950123, MeSH D030342.

Allele frequency attached by ClinVar (database versions not stated): TOPMed below 0.00001; gnomAD 0.00001; gnomAD exomes 0.00001.
gnomAD v4.1: 10 of 1,613,978 alleles (0.00062%); highest among the groups gnomAD compares: Non-Finnish European, 0.00085%; no homozygotes.

Submissions (2):

GeneDx
Classification: Uncertain significance. Last evaluated: 2024-07-23. Review status: criteria provided, single submitter. Criteria: GeneDx Variant Classification Process June 2021. Collection method: clinical testing. Allele origin: germline. Affected: yes.
Comment: Not observed at significant frequency in large population cohorts (gnomAD); In silico analysis supports that this missense variant has a deleterious effect on protein structure/function; Has not been previously published as pathogenic or benign to our knowledge

Ambry Genetics
Classification: Uncertain significance for Inborn genetic diseases. Last evaluated: 2021-08-09. Review status: criteria provided, single submitter. Criteria: Ambry Variant Classification Scheme 2023. Collection method: clinical testing. Allele origin: germline.